The following is an entry in ClinVar:

ClinVar aggregate classification (germline): Uncertain significance. Review status: reviewed by expert panel (3 of 4 stars). 2 submissions from 2 submitters: Uncertain significance (1). 1 of the submissions does not count toward it. Last evaluated 2025-01-15.

Conditions:
Hereditary thrombocytopenia and hematological cancer predisposition syndrome associated with RUNX1. Also called: RUNX1 Familial Platelet Disorder with Associated Myeloid Malignancies; Familial Platelet Disorder with Propensity to Acute Myelogenous Leukemia; Familial thrombocytopenia with propensity to acute myelogenous leukemia; PLATELET DISORDER, ASPIRIN-LIKE. Identifiers: Orphanet 71290, MedGen C1832388, MeSH C563324, MONDO:0100083, OMIM 601399.
Hereditary thrombocytopenia and hematologic cancer predisposition syndrome. Identifiers: Orphanet 71290, MedGen CN281654, MONDO:0011071.

Submissions (2):

ClinGen Myeloid Malignancy Variant Curation Expert Panel
Classification: Uncertain significance for Hereditary thrombocytopenia and hematologic cancer predisposition syndrome. Last evaluated: 2025-01-15. Review status: reviewed by expert panel. Criteria: ClinGen MyeloMalig ACMG Specifications v2. Collection method: curation. Allele origin: germline. Inheritance: Autosomal dominant inheritance.
Comment: NM_001754.5(RUNX1):c.848A>C (p.Gln283Pro) is a missense variant in exon 8 of 9, not located in a hotspot or the RHD domain. It is not predicted to affect splicing or protein function ( REVEL score 0.355, SplicaAI score 0.01 ). The variant is absent from population databases. There is no available literature. In summary, the clinical significance of this variant remains uncertain due to insufficient evidence. ACMG/AMP criteria applied, as specified by the Myeloid Malignancy Variant Curation Expert Panel for RUNX1: PM2_supporting, BP4.

Labcorp Genetics (formerly Invitae), Labcorp
Classification: Uncertain significance for Hereditary thrombocytopenia and hematological cancer predisposition syndrome associated with RUNX1. Last evaluated: 2021-03-22. Review status: criteria provided, single submitter. Criteria: Invitae Variant Classification Sherloc (09022015). Collection method: clinical testing. Allele origin: germline. Not counted in ClinVar's aggregate classification.
Comment: This variant has not been reported in the literature in individuals with RUNX1-related conditions. This sequence change replaces glutamine with proline at codon 283 of the RUNX1 protein (p.Gln283Pro). The glutamine residue is moderately conserved and there is a moderate physicochemical difference between glutamine and proline. This variant is not present in population databases (ExAC no frequency). Algorithms developed to predict the effect of missense changes on protein structure and function (SIFT, PolyPhen-2, Align-GVGD) all suggest that this variant is likely to be tolerated, but these predictions have not been confirmed by published functional studies and their clinical significance is uncertain. In summary, the available evidence is currently insufficient to determine the role of this variant in disease. Therefore, it has been classified as a Variant of Uncertain Significance.

NM_001754.5(RUNX1):c.848A>C (p.Gln283Pro)

Gene: RUNX1 (RUNX family transcription factor 1; minus strand). Cytogenetic location: 21q22.12.
Variant type: single nucleotide variant.
Coding change: c.848A>C on transcript NM_001754.5 (MANE Select); coding-DNA position 848, A replaced by C.
Protein change: p.Gln283Pro; replaces glutamine 283 with proline.
Molecular consequence: missense variant.
Genome position (GRCh38, 1-based): chr21:34,799,420, T>G on the plus strand (A>C on the coding strand, the complement: RUNX1 is on the minus strand). VCF-style: chr21-34799420-T-G. GRCh37 (hg19) VCF-style: chr21-36171717-T-G.
Other names: NM_001754.5(RUNX1):c.848A>C; p.Gln283Pro; c.767A>C, p.Gln256Pro (NM_001001890.3); short protein forms Q283P, Q256P.
Identifiers: ClinVar variation 1479269 (VCV001479269.10), dbSNP rs1555885620, ClinGen allele CA410150175.